The following is an entry in ClinVar:

ClinVar aggregate classification (germline): Likely pathogenic (1 of 4 stars; one submission).

Conditions:
Neurofibromatosis, type 1 (NF1). Also called: Peripheral type neurofibromatosis; VON RECKLINGHAUSEN DISEASE; NEUROFIBROMATOSIS, TYPE I, SOMATIC; Neurofibromatosis, type I. Identifiers: Orphanet 636, MedGen C0027831, MONDO:0018975, OMIM 162200. Disease mechanism: loss of function.

Submission:

Labcorp Genetics (formerly Invitae), Labcorp
Classification: Likely pathogenic for Neurofibromatosis, type 1. Last evaluated: 2019-09-19. Review status: criteria provided, single submitter. Criteria: Invitae Variant Classification Sherloc (09022015). Collection method: clinical testing. Allele origin: germline.
Comment: This sequence change affects an acceptor splice site in intron 12 of the NF1 gene. It is expected to disrupt RNA splicing and likely results in an absent or disrupted protein product. This variant is not present in population databases (ExAC no frequency). This variant has not been reported in the literature in individuals with NF1-related conditions. Algorithms developed to predict the effect of sequence changes on RNA splicing suggest that this variant may disrupt the consensus splice site, but this prediction has not been confirmed by published transcriptional studies. Donor and acceptor splice site variants typically lead to a loss of protein function (PMID: 16199547), and loss-of-function variants in NF1 are known to be pathogenic (PMID: 10712197, 23913538). In summary, the currently available evidence indicates that the variant is pathogenic, but additional data are needed to prove that conclusively. Therefore, this variant has been classified as Likely Pathogenic.

Literature cited by the submitters: PubMed 16199547; PubMed 10712197; PubMed 23913538.

NM_001042492.3(NF1):c.1393-3_1393-2del

Gene: NF1 (neurofibromin 1; plus strand). Cytogenetic location: 17q11.2.
Variant type: Deletion.
Coding change: c.1393-3_1393-2del on transcript NM_001042492.3 (MANE Select); 3 bases into the intron before coding-DNA position 1393 through the canonical splice acceptor site of the intron before coding-DNA position 1393, 2 bases deleted (TA; older notation c.1393-3_1393-2delTA).
Molecular consequence: splice acceptor variant.
Genome position (GRCh38, 1-based): chr17:31,214,448-31,214,449, TA deleted. VCF-style (leftmost placement, unchanged base first): chr17-31214447-TTA-T. GRCh37 (hg19) VCF-style: chr17-29541465-TTA-T.
Other names: c.1393-3_1393-2del (NM_000267.4, NM_001128147.3).
Identifiers: ClinVar variation 962039 (VCV000962039.2), dbSNP rs2066785062, ClinGen allele CA1139665325.
Genomic context (GRCh38, chr17:31,214,447, plus strand): 5'-AAAAGGTTGGATAGCTATTATCCTGAGTCTTATGTCTGATACCATGTTTTTGTTTTGTTT[TTA>T]GAGTCTTACATTTAAAGAAAAAGTAACAAGCCTTAAATTTAAAGAAAAACCTACAGACCT-3'